The following is an entry in ClinVar:

ClinVar aggregate classification (germline): Uncertain significance (1 of 4 stars; one submission).

Conditions:
Hereditary cancer-predisposing syndrome. Also called: Neoplastic Syndromes, Hereditary; Tumor predisposition; Hereditary neoplastic syndrome; Hereditary Cancer Syndrome. Identifiers: Orphanet 140162, MedGen C0027672, MeSH D009386, MONDO:0015356.

Submission:

Ambry Genetics
Classification: Uncertain significance for Hereditary cancer-predisposing syndrome. Last evaluated: 2026-07-06. Review status: criteria provided, single submitter. Criteria: Ambry Variant Classification Scheme 2023. Collection method: clinical testing. Allele origin: germline.
Comment: The p.Y710F variant (also known as c.2129A>T), located in coding exon 8 of the MET gene, results from an A to T substitution at nucleotide position 2129. The tyrosine at codon 710 is replaced by phenylalanine, an amino acid with highly similar properties. This amino acid position is conserved. In addition, the in silico prediction for this alteration is inconclusive. Based on the available evidence, the clinical significance of this variant remains unclear.

NM_000245.4(MET):c.2129A>T (p.Tyr710Phe)

Gene: MET (MET proto-oncogene, receptor tyrosine kinase; plus strand). Cytogenetic location: 7q31.2.
Variant type: single nucleotide variant.
Coding change: c.2129A>T on transcript NM_000245.4 (MANE Select); coding-DNA position 2129, A replaced by T.
Protein change: p.Tyr710Phe; replaces tyrosine 710 with phenylalanine.
Molecular consequence: missense variant.
Genome position (GRCh38, 1-based): chr7:116,758,485, A>T. VCF-style: chr7-116758485-A-T. GRCh37 (hg19) VCF-style: chr7-116398539-A-T.
Other names: c.2129A>T, p.Tyr710Phe (NM_001127500.3, NM_001324401.3); c.839A>T, p.Tyr280Phe (NM_001324402.2); short protein forms Y280F, Y710F.
Identifiers: ClinVar variation 5024362 (VCV005024362.1).